The following is an entry in ClinVar:

ClinVar aggregate classification (germline): Uncertain significance (1 of 4 stars; one submission).

Conditions:
Neurofibromatosis, type 2 (SWNV). Also called: BILATERAL ACOUSTIC NEUROFIBROMATOSIS; SCHWANNOMATOSIS, VESTIBULAR; NF2-Related Schwannomatosis. Identifiers: Orphanet 637, MedGen C0027832, MONDO:0007039, OMIM 101000. Disease mechanism: loss of function.

Submission:

Labcorp Genetics (formerly Invitae), Labcorp
Classification: Uncertain significance for Neurofibromatosis, type 2. Last evaluated: 2024-04-22. Review status: criteria provided, single submitter. Criteria: Invitae Variant Classification Sherloc (09022015). Collection method: clinical testing. Allele origin: germline.
Comment: This sequence change replaces tryptophan, which is neutral and slightly polar, with glycine, which is neutral and non-polar, at codon 258 of the NF2 protein (p.Trp258Gly). This variant is not present in population databases (gnomAD no frequency). This variant has not been reported in the literature in individuals affected with NF2-related conditions. ClinVar contains an entry for this variant (Variation ID: 659970). Advanced modeling of protein sequence and biophysical properties (such as structural, functional, and spatial information, amino acid conservation, physicochemical variation, residue mobility, and thermodynamic stability) performed at Invitae indicates that this missense variant is expected to disrupt NF2 protein function with a positive predictive value of 80%. In summary, the available evidence is currently insufficient to determine the role of this variant in disease. Therefore, it has been classified as a Variant of Uncertain Significance.

NM_000268.4(NF2):c.772T>G (p.Trp258Gly)

Gene: NF2 (NF2, moesin-ezrin-radixin like (MERLIN) tumor suppressor; plus strand). Cytogenetic location: 22q12.2.
Variant type: single nucleotide variant.
Coding change: c.772T>G on transcript NM_000268.4 (MANE Select); coding-DNA position 772, T replaced by G.
Protein change: p.Trp258Gly; replaces tryptophan 258 with glycine.
Molecular consequence: missense variant. On other transcripts: non-coding transcript variant (1), intron variant (1).
Genome position (GRCh38, 1-based): chr22:29,661,301, T>G. VCF-style: chr22-29661301-T-G. GRCh37 (hg19) VCF-style: chr22-30057290-T-G.
Other names: c.772T>G, p.Trp258Gly (NM_016418.5, NM_181825.3, NM_181832.3); c.646T>G, p.Trp216Gly (NM_181828.3); c.649T>G, p.Trp217Gly (NM_181829.3); c.523T>G, p.Trp175Gly (NM_181830.3, NM_181831.3); c.447+19016T>G (NM_181833.3); short protein forms W216G, W217G, W175G, W258G.
Identifiers: ClinVar variation 659970 (VCV000659970.9), dbSNP rs1601624186, ClinGen allele CA411144010.